The following is an entry in ClinVar:

ClinVar aggregate classification (germline): Uncertain significance. Review status: criteria provided, multiple submitters, no conflicts (2 of 4 stars). 2 submissions from 2 submitters: Uncertain significance (2). Last evaluated 2026-01-06.

Conditions:
Left ventricular noncompaction 8 (LVNC8). Identifiers: Orphanet 154, Orphanet 54260, MedGen C3809288, MONDO:0014152, OMIM 615373.

Allele frequency attached by ClinVar (database versions not stated): ExAC 0.00003; gnomAD exomes 0.00003; gnomAD 0.00009 and 0.00011; 1000 Genomes Project 30x 0.00016; 1000 Genomes Project 0.00020; TOPMed 0.00034.
gnomAD v4.1: 40 of 1,529,186 alleles (0.0026%); highest among the groups gnomAD compares: Admixed American, 0.044%; 1 homozygote.

Submissions (2):

Labcorp Genetics (formerly Invitae), Labcorp
Classification: Uncertain significance for Left ventricular noncompaction 8. Last evaluated: 2026-01-06. Review status: criteria provided, single submitter. Criteria: Invitae Variant Classification Sherloc (09022015). Collection method: clinical testing. Allele origin: germline.
Comment: This sequence change affects codon 225 of the PRDM16 mRNA. It is a 'silent' change, meaning that it does not change the encoded amino acid sequence of the PRDM16 protein. It affects a nucleotide within the consensus splice site. This variant is present in population databases (rs535076398, gnomAD 0.02%). This variant has not been reported in the literature in individuals affected with PRDM16-related conditions. ClinVar contains an entry for this variant (Variation ID: 841035). Algorithms developed to predict the effect of sequence changes on RNA splicing suggest that this variant is not likely to affect RNA splicing. In summary, the available evidence is currently insufficient to determine the role of this variant in disease. Therefore, it has been classified as a Variant of Uncertain Significance.

Women's Health and Genetics/Laboratory Corporation of America, LabCorp
Classification: Uncertain significance. Last evaluated: 2024-11-12. Review status: criteria provided, single submitter. Criteria: LabCorp Variant Classification Summary - May 2015. Collection method: clinical testing. Allele origin: germline.
Comment: Variant summary: PRDM16 c.675C>T (p.Asp225Asp) alters a non-conserved nucleotide located close to a canonical splice site and therefore could affect mRNA splicing, leading to a significantly altered protein sequence. Consensus agreement among computation tools predict no significant impact on normal splicing. However, these predictions have yet to be confirmed by functional studies. The variant allele was found at a frequency of 2.7e-05 in 182686 control chromosomes (gnomAD). The available data on variant occurrences in the general population are insufficient to allow any conclusion about variant significance. To our knowledge, no occurrence of c.675C>T in individuals affected with Cardiomyopathy and no experimental evidence demonstrating its impact on protein function have been reported. ClinVar contains an entry for this variant (Variation ID: 841035). Based on the evidence outlined above, the variant was classified as uncertain significance.

NM_022114.4(PRDM16):c.675C>T (p.Asp225=)

Gene: PRDM16 (PR/SET domain 16; plus strand). Cytogenetic location: 1p36.32.
Variant type: single nucleotide variant.
Coding change: c.675C>T on transcript NM_022114.4 (MANE Select); coding-DNA position 675, C replaced by T.
Protein change: p.Asp225=; no amino-acid change (aspartic acid 225 retained).
Molecular consequence: synonymous variant.
Genome position (GRCh38, 1-based): chr1:3,396,592, C>T. VCF-style: chr1-3396592-C-T. GRCh37 (hg19) VCF-style: chr1-3313156-C-T.
Other names: c.675C>T, p.Asp225= (NM_199454.3).
Identifiers: ClinVar variation 841035 (VCV000841035.8), dbSNP rs535076398, ClinGen allele CA543905.